The following is an entry in ClinVar:

NM_000722.4(CACNA2D1):c.2781-16T>A

Gene: CACNA2D1 (calcium voltage-gated channel auxiliary subunit alpha2delta 1; minus strand). Cytogenetic location: 7q21.11.
Variant type: single nucleotide variant.
Coding change: c.2781-16T>A on transcript NM_000722.4 (MANE Select); 16 bases into the intron before coding-DNA position 2781, T replaced by A.
Molecular consequence: intron variant.
Genome position (GRCh38, 1-based): chr7:81,962,511, A>T on the plus strand (T>A on the coding strand, the complement: CACNA2D1 is on the minus strand). VCF-style: chr7-81962511-A-T. GRCh37 (hg19) VCF-style: chr7-81591827-A-T.
Other names: c.2817-16T>A (NM_001366867.1).
Identifiers: ClinVar variation 3677429 (VCV003677429.2).

ClinVar aggregate classification (germline): Uncertain significance (1 of 4 stars; one submission).

Conditions:
Brugada syndrome. Also called: Sudden unexpected nocturnal death syndrome; Sudden Unexplained Death Syndrome; Sudden Unexplained Nocturnal Death Syndrome (SUNDS); Sudden unexplained nocturnal death syndrome. Identifiers: Orphanet 130, MedGen C1142166, MONDO:0015263.

gnomAD v4.1: 27 of 1,232,618 alleles (0.0022%); highest among the groups gnomAD compares: Non-Finnish European, 0.0017%; no homozygotes.

Submission:

Labcorp Genetics (formerly Invitae), Labcorp
Classification: Uncertain significance for Brugada syndrome. Last evaluated: 2024-06-12. Review status: criteria provided, single submitter. Criteria: Invitae Variant Classification Sherloc (09022015). Collection method: clinical testing. Allele origin: germline.
Comment: This sequence change falls in intron 34 of the CACNA2D1 gene. It does not directly change the encoded amino acid sequence of the CACNA2D1 protein. This variant is present in population databases (rs554617855, gnomAD 0.007%). This variant has not been reported in the literature in individuals affected with CACNA2D1-related conditions. Algorithms developed to predict the effect of sequence changes on RNA splicing suggest that this variant may disrupt the consensus splice site. In summary, the available evidence is currently insufficient to determine the role of this variant in disease. Therefore, it has been classified as a Variant of Uncertain Significance.